The following is an entry in ClinVar:

NM_024529.5(CDC73):c.1491A>G (p.Leu497=)

Gene: CDC73 (cell division cycle 73; plus strand). Cytogenetic location: 1q31.2.
Variant type: single nucleotide variant.
Coding change: c.1491A>G on transcript NM_024529.5 (MANE Select); coding-DNA position 1491, A replaced by G.
Protein change: p.Leu497=; no amino-acid change (leucine 497 retained).
Molecular consequence: synonymous variant.
Genome position (GRCh38, 1-based): chr1:193,249,803, A>G. VCF-style: chr1-193249803-A-G. GRCh37 (hg19) VCF-style: chr1-193218933-A-G.
Identifiers: ClinVar variation 715147 (VCV000715147.15), dbSNP rs1448322761, ClinGen allele CA422492598.

ClinVar aggregate classification (germline): Likely benign. Review status: criteria provided, multiple submitters, no conflicts (2 of 4 stars). 3 submissions from 3 submitters: Likely benign (2). 1 of the submissions does not count toward it. Last evaluated 2025-12-23.

Conditions:
Parathyroid carcinoma (PRTC). Also called: CDC73-Related Parathyroid Carcinoma; Parathyroid gland carcinoma. Identifiers: Orphanet 143, MedGen C0687150, MONDO:0012004, OMIM 608266, HP:0006780.
CDC73-related disorder. Also called: CDC73-related condition; CDC73-related disorders. Identifiers: MedGen CN169292.
Hereditary cancer-predisposing syndrome. Also called: Neoplastic Syndromes, Hereditary; Hereditary Cancer Syndrome; Hereditary neoplastic syndrome; Tumor predisposition. Identifiers: Orphanet 140162, MedGen C0027672, MeSH D009386, MONDO:0015356.

Allele frequency attached by ClinVar (database versions not stated): gnomAD exomes below 0.00001.
gnomAD v4.1: 3 of 1,611,956 alleles (0.00019%); highest among the groups gnomAD compares: East Asian, 0.0022%; no homozygotes.

Submissions (3):

Labcorp Genetics (formerly Invitae), Labcorp
Classification: Likely benign for Parathyroid carcinoma. Last evaluated: 2025-12-23. Review status: criteria provided, single submitter. Criteria: Invitae Variant Classification Sherloc (09022015). Collection method: clinical testing. Allele origin: germline.

Ambry Genetics
Classification: Likely benign for Hereditary cancer-predisposing syndrome. Last evaluated: 2022-05-06. Review status: criteria provided, single submitter. Criteria: Ambry Variant Classification Scheme 2023. Collection method: clinical testing. Allele origin: germline.

PreventionGenetics, part of Exact Sciences
Classification: Likely benign for CDC73-related condition. Last evaluated: 2020-08-26. Review status: no assertion criteria provided. Collection method: clinical testing. Allele origin: germline. Not counted in ClinVar's aggregate classification.
Comment: This variant is classified as likely benign based on ACMG/AMP sequence variant interpretation guidelines (Richards et al. 2015 PMID: 25741868, with internal and published modifications).